The following is an entry in ClinVar:

ClinVar aggregate classification (germline): Uncertain significance. Review status: criteria provided, multiple submitters, no conflicts (2 of 4 stars). 2 submissions from 2 submitters: Uncertain significance (2). Last evaluated 2022-01-28.

Conditions:
Inborn genetic diseases. Identifiers: MedGen C0950123, MeSH D030342.

Allele frequency attached by ClinVar (database versions not stated): gnomAD exomes below 0.00001; TOPMed below 0.00001; ExAC 0.00001; gnomAD 0.00001; ESP Exome Variant Server 0.00008.
gnomAD v4.1: 2 of 1,612,972 alleles (0.00012%); highest among the groups gnomAD compares: Non-Finnish European, 0.00017%; no homozygotes.

Submissions (2):

Labcorp Genetics (formerly Invitae), Labcorp
Classification: Uncertain significance. Last evaluated: 2022-01-28. Review status: criteria provided, single submitter. Criteria: Invitae Variant Classification Sherloc (09022015). Collection method: clinical testing. Allele origin: germline.
Comment: This sequence change replaces isoleucine, which is neutral and non-polar, with valine, which is neutral and non-polar, at codon 2211 of the CDH23 protein (p.Ile2211Val). This variant is present in population databases (rs371363040, gnomAD 0.0009%). This variant has not been reported in the literature in individuals affected with CDH23-related conditions. Algorithms developed to predict the effect of missense changes on protein structure and function are either unavailable or do not agree on the potential impact of this missense change (SIFT: "Tolerated"; PolyPhen-2: "Not Available"; Align-GVGD: "Class C15"). In summary, the available evidence is currently insufficient to determine the role of this variant in disease. Therefore, it has been classified as a Variant of Uncertain Significance.

Ambry Genetics
Classification: Uncertain significance for Inborn genetic diseases. Last evaluated: 2021-10-18. Review status: criteria provided, single submitter. Criteria: Ambry Variant Classification Scheme 2023. Collection method: clinical testing. Allele origin: germline.

NM_022124.6(CDH23):c.6631A>G (p.Ile2211Val)

Gene: CDH23 (cadherin related 23; plus strand). Cytogenetic location: 10q22.1.
Variant type: single nucleotide variant.
Coding change: c.6631A>G on transcript NM_022124.6 (MANE Select); coding-DNA position 6631, A replaced by G.
Protein change: p.Ile2211Val; replaces isoleucine 2211 with valine.
Molecular consequence: missense variant.
Genome position (GRCh38, 1-based): chr10:71,793,559, A>G. VCF-style: chr10-71793559-A-G. GRCh37 (hg19) VCF-style: chr10-73553316-A-G.
Other names: short protein forms I2211V.
Identifiers: ClinVar variation 1962901 (VCV001962901.3), dbSNP rs371363040, ClinGen allele CA5546133.